The following is an entry in ClinVar:

NM_000203.5(IDUA):c.11_18dup (p.Arg7fs)

Genes: IDUA (alpha-L-iduronidase; plus strand), SLC26A1 (solute carrier family 26 member 1; minus strand). Cytogenetic location: 4p16.3.
Variant type: Duplication.
Coding change: c.11_18dup on transcript NM_000203.5 (MANE Select); coding-DNA positions 11 to 18, 8 bases duplicated (TGCGCCCC; older notation c.11_18dupTGCGCCCC).
Protein change: p.Arg7fs; shifts the reading frame from arginine 7.
Molecular consequence: frameshift variant. On other transcripts: non-coding transcript variant (1), intron variant (1).
Genome position (GRCh38, 1-based): chr4:987,095-987,102, TGCGCCCC duplicated; duplicating any 8 consecutive bases within chr4:987,091-987,102 gives the same sequence; the c. name uses the placement nearest the transcript's 3' end. VCF-style (leftmost placement, unchanged base first): chr4-987090-T-TCCCCTGCG. GRCh37 (hg19) VCF-style: chr4-980878-T-TCCCCTGCG.
Other names: c.576+4030_576+4037dup (NM_134425.4); short protein forms R7fs.
Identifiers: ClinVar variation 4817916 (VCV004817916.2).

ClinVar aggregate classification (germline): Pathogenic/Likely pathogenic. Review status: criteria provided, multiple submitters, no conflicts (2 of 4 stars). 2 submissions from 2 submitters: Pathogenic (1); Likely pathogenic (1). Last evaluated 2025-01-09.

Conditions:
Mucopolysaccharidosis type 1. Also called: IDUA deficiency; MPS I; Mucopolysaccharidosis Type I. Identifiers: Orphanet 579, MedGen C0023786, MONDO:0001586.

Submissions (2):

Natera, Inc.
Classification: Likely pathogenic for Mucopolysaccharidosis type I. Last evaluated: 2025-01-09. Review status: criteria provided, single submitter. Criteria: Natera Variant Classification Schema (03/2026). Collection method: clinical testing. Allele origin: germline.
Comment: The c.11_18dupTGCGCCCC variant in IDUA is a frameshift variant predicted to shift the reading frame beginning at codon 7 and leads to a stop codon 104 codons downstream. This variant is expected to result in nonsense mediated decay, truncation, or a dysfunctional protein product. This variant is rare in the general population with a frequency below the threshold expected for the associated phenotype(s). Given the available evidence, this variant is classified as Likely Pathogenic.

Myriad Genetics, Inc.
Classification: Pathogenic for Mucopolysaccharidosis type 1. Last evaluated: 2024-05-18. Review status: criteria provided, single submitter. Criteria: Myriad Autosomal Dominant, Autosomal Recessive and X-Linked Classification Criteria (2023). Collection method: clinical testing. Allele origin: unknown.
Comment: NM_000203.3(IDUA):c.11_18dup8(R7Cfs*104) is expected to be pathogenic in the context of mucopolysaccharidosis type I. This variant is predicted to lead to an abnormal or absent protein product due to the creation of a premature termination codon in IDUA, a gene where loss-of-function variants are known to be pathogenic. Please note: this variant was assessed in the context of healthy population screening.